The following is an entry in ClinVar:

ClinVar aggregate classification (germline): Uncertain significance (1 of 4 stars; one submission).

Allele frequency attached by ClinVar (database versions not stated): gnomAD exomes 0.00001; TOPMed 0.00001; ExAC 0.00002; gnomAD 0.00003; ESP Exome Variant Server 0.00008; 1000 Genomes Project 30x 0.00016; 1000 Genomes Project 0.00020.
gnomAD v4.1: 11 of 1,614,132 alleles (0.00068%); highest among the groups gnomAD compares: South Asian, 0.011%; no homozygotes.

Submission:

Labcorp Genetics (formerly Invitae), Labcorp
Classification: Uncertain significance. Last evaluated: 2022-07-25. Review status: criteria provided, single submitter. Criteria: Invitae Variant Classification Sherloc (09022015). Collection method: clinical testing. Allele origin: germline.
Comment: In summary, the available evidence is currently insufficient to determine the role of this variant in disease. Therefore, it has been classified as a Variant of Uncertain Significance. Experimental studies and prediction algorithms are not available or were not evaluated, and the functional significance of this variant is currently unknown. ClinVar contains an entry for this variant (Variation ID: 1481239). This variant has not been reported in the literature in individuals affected with HTT-related conditions. This variant is present in population databases (rs370382867, gnomAD 0.01%). This sequence change replaces threonine, which is neutral and polar, with serine, which is neutral and polar, at codon 1411 of the HTT protein (p.Thr1411Ser).

NM_001388492.1(HTT):c.4225A>T (p.Thr1409Ser)

Gene: HTT (huntingtin; plus strand). Cytogenetic location: 4p16.3.
Variant type: single nucleotide variant.
Coding change: c.4225A>T on transcript NM_001388492.1 (MANE Select); coding-DNA position 4225, A replaced by T.
Protein change: p.Thr1409Ser; replaces threonine 1409 with serine.
Molecular consequence: missense variant.
Genome position (GRCh38, 1-based): chr4:3,174,779, A>T. VCF-style: chr4-3174779-A-T. GRCh37 (hg19) VCF-style: chr4-3176506-A-T.
Other names: c.4231A>T, p.Thr1411Ser (NM_002111.8); short protein forms T1409S, T1411S.
Identifiers: ClinVar variation 1481239 (VCV001481239.6), dbSNP rs370382867, ClinGen allele CA2824358.